The following is an entry in ClinVar:

NM_000092.5(COL4A4):c.663del (p.Pro222fs)

Gene: COL4A4 (collagen type IV alpha 4 chain; minus strand). Cytogenetic location: 2q36.3.
Variant type: Deletion.
Coding change: c.663del on transcript NM_000092.5 (MANE Select); coding-DNA position 663, one base deleted (T; older notation c.663delT).
Protein change: p.Pro222fs; shifts the reading frame from proline 222.
Molecular consequence: frameshift variant.
Genome position (GRCh38, 1-based): chr2:227,108,863, A deleted on the plus strand (T on the coding strand, the reverse complement: COL4A4 is on the minus strand). VCF-style (leftmost placement, unchanged base first): chr2-227108862-GA-G. GRCh37 (hg19) VCF-style: chr2-227973578-GA-G.
Other names: short protein forms P222fs.
Identifiers: ClinVar variation 2025145 (VCV002025145.4), dbSNP rs2475788686, ClinGen allele CA2580065860.

ClinVar aggregate classification (germline): Pathogenic (1 of 4 stars; one submission).

Submission:

Labcorp Genetics (formerly Invitae), Labcorp
Classification: Pathogenic. Last evaluated: 2022-08-20. Review status: criteria provided, single submitter. Criteria: Invitae Variant Classification Sherloc (09022015). Collection method: clinical testing. Allele origin: germline.
Comment: For these reasons, this variant has been classified as Pathogenic. This variant has not been reported in the literature in individuals affected with COL4A4-related conditions. This variant is not present in population databases (gnomAD no frequency). This sequence change creates a premature translational stop signal (p.Pro222Argfs*9) in the COL4A4 gene. It is expected to result in an absent or disrupted protein product. Loss-of-function variants in COL4A4 are known to be pathogenic (PMID: 21196518, 24854265, 25307543).

Literature cited by the submitters: PubMed 21196518; PubMed 24854265; PubMed 25307543.